The following is an entry in ClinVar:

NM_004364.5(CEBPA):c.802G>C (p.Gly268Arg)

Gene: CEBPA (CCAAT enhancer binding protein alpha; minus strand). Cytogenetic location: 19q13.11.
Variant type: single nucleotide variant.
Coding change: c.802G>C on transcript NM_004364.5 (MANE Select); coding-DNA position 802, G replaced by C.
Protein change: p.Gly268Arg; replaces glycine 268 with arginine.
Molecular consequence: missense variant.
Genome position (GRCh38, 1-based): chr19:33,301,613, C>G on the plus strand (G>C on the coding strand, the complement: CEBPA is on the minus strand). VCF-style: chr19-33301613-C-G. GRCh37 (hg19) VCF-style: chr19-33792519-C-G.
Other names: c.445G>C, p.Gly149Arg (NM_001285829.2); c.907G>C, p.Gly303Arg (NM_001287424.2); c.760G>C, p.Gly254Arg (NM_001287435.2); short protein forms G149R, G254R, G268R, G303R.
Identifiers: ClinVar variation 3999999 (VCV003999999.1).

ClinVar aggregate classification (germline): Uncertain significance (1 of 4 stars; one submission).

Conditions:
Inborn genetic diseases. Identifiers: MedGen C0950123, MeSH D030342.

Submission:

Ambry Genetics
Classification: Uncertain significance for Inborn genetic diseases. Last evaluated: 2025-04-20. Review status: criteria provided, single submitter. Criteria: Ambry Variant Classification Scheme 2023. Collection method: clinical testing. Allele origin: germline.
Comment: The p.G268R variant (also known as c.802G>C), located in coding exon 1 of the CEBPA gene, results from a G to C substitution at nucleotide position 802. The glycine at codon 268 is replaced by arginine, an amino acid with dissimilar properties. This amino acid position is conserved. In addition, this alteration is predicted to be tolerated by in silico analysis. Based on the available evidence, the clinical significance of this variant remains unclear.